The following is an entry in ClinVar:

NM_032776.3(JMJD1C):c.3391G>A (p.Ala1131Thr)

Gene: JMJD1C (jumonji domain containing 1C; minus strand). Cytogenetic location: 10q21.3.
Variant type: single nucleotide variant.
Coding change: c.3391G>A on transcript NM_032776.3 (MANE Select); coding-DNA position 3391, G replaced by A.
Protein change: p.Ala1131Thr; replaces alanine 1131 with threonine.
Molecular consequence: missense variant. On other transcripts: non-coding transcript variant (1).
Genome position (GRCh38, 1-based): chr10:63,208,278, C>T on the plus strand (G>A on the coding strand, the complement: JMJD1C is on the minus strand). VCF-style: chr10-63208278-C-T. GRCh37 (hg19) VCF-style: chr10-64968038-C-T.
Other names: c.2845G>A, p.Ala949Thr (NM_001282948.2, NM_001318154.2); c.2527G>A, p.Ala843Thr (NM_001318153.2); c.3277G>A, p.Ala1093Thr (NM_001322252.2); c.2734G>A, p.Ala912Thr (NM_001322254.2, NM_001322258.2); short protein forms A843T, A912T, A949T, A1093T, A1131T.
Identifiers: ClinVar variation 1482850 (VCV001482850.8), dbSNP rs887483612, ClinGen allele CA208372124.
Genomic context (GRCh38, chr10:63,208,278, plus strand): 5'-TAATCAAAGGTGGAGGCTTTGAAAGAGATGTTATAAATGAAGTCAGAGTTTGAGGATTAG[C>T]TGCTGCCGCTGCAAGGGCATTACTCTGTTTATCACCGTAAATATTTGAAACTTCTTTGGA-3'
Protein context (NP_116165.1, residues 1121-1141): KQSNALAAAA[Ala1131Thr]NPQTLTSFIT

ClinVar aggregate classification (germline): Uncertain significance (1 of 4 stars; one submission).

Conditions:
Early Myoclonic Encephalopathy. Identifiers: MedGen C0270855.

Allele frequency attached by ClinVar (database versions not stated): TOPMed 0.00001.

Submission:

Labcorp Genetics (formerly Invitae), Labcorp
Classification: Uncertain significance for Early Myoclonic Encephalopathy. Last evaluated: 2020-11-15. Review status: criteria provided, single submitter. Criteria: Invitae Variant Classification Sherloc (09022015). Collection method: clinical testing. Allele origin: germline.
Comment: This sequence change replaces alanine with threonine at codon 1131 of the JMJD1C protein (p.Ala1131Thr). The alanine residue is highly conserved and there is a small physicochemical difference between alanine and threonine. This variant is not present in population databases (ExAC no frequency). This variant has not been reported in the literature in individuals with JMJD1C-related conditions. Algorithms developed to predict the effect of missense changes on protein structure and function output the following: SIFT: "Deleterious"; PolyPhen-2: "Benign"; Align-GVGD: "Class C0". The threonine amino acid residue is found in multiple mammalian species, suggesting that this missense change does not adversely affect protein function. These predictions have not been confirmed by published functional studies and their clinical significance is uncertain. In summary, the available evidence is currently insufficient to determine the role of this variant in disease. Therefore, it has been classified as a Variant of Uncertain Significance.